The following is an entry in ClinVar:

NM_002474.3(MYH11):c.5767G>A (p.Ala1923Thr)

Genes: MYH11 (myosin heavy chain 11; minus strand), NDE1 (nudE neurodevelopment protein 1; plus strand). Cytogenetic location: 16p13.11.
Variant type: single nucleotide variant.
Coding change: c.5767G>A on transcript NM_002474.3 (MANE Select); coding-DNA position 5767, G replaced by A.
Protein change: p.Ala1923Thr; replaces alanine 1923 with threonine.
Molecular consequence: missense variant. On other transcripts: intron variant (2).
Genome position (GRCh38, 1-based): chr16:15,714,928, C>T on the plus strand (G>A on the coding strand, the complement: MYH11 is on the minus strand). VCF-style: chr16-15714928-C-T. GRCh37 (hg19) VCF-style: chr16-15808785-C-T.
Other names: p.A1923T:GCA>ACA; c.5788G>A, p.Ala1930Thr (NM_001040113.2, NM_001040114.2); c.5767G>A, p.Ala1923Thr (NM_022844.3); c.948-9263C>T (NM_001143979.2, NM_017668.3); short protein forms A1923T, A1930T.
Identifiers: ClinVar variation 201092 (VCV000201092.27), dbSNP rs571504063, ClinGen allele CA306619.
Genomic context (GRCh38, chr16:15,714,928, plus strand): 5'-GGCCTGAGAGACGGGGTCCTCCCGGGCCACGGGCTCCTCACCTGAGCTTGCTCTTGAGTG[C>T]GTTCACCTCGCGGCCCATGGCCTCGTTGCTCTCCGTGGCCTCATCCAGCTCCCGCTGCAG-3'
Protein context (NP_002465.1, residues 1913-1933): SNEAMGREVN[Ala1923Thr]LKSKLRRGNE

ClinVar aggregate classification (germline): Conflicting classifications of pathogenicity. Review status: criteria provided, conflicting classifications (1 of 4 stars). 8 submissions from 8 submitters: Uncertain significance (7); Likely benign (1). Last evaluated 2025-03-10.

Conditions:
Visceral myopathy 2. Identifiers: MedGen C5543466, MONDO:0859157, OMIM 619350.
Megacystis-microcolon-intestinal hypoperistalsis syndrome 2. Identifiers: MedGen C5543476, MONDO:0025708, OMIM 619351.
Aortic aneurysm, familial thoracic 4 (AAT4). Also called: AORTIC ANEURYSM/AORTIC DISSECTION AND PATENT DUCTUS ARTERIOSUS. Identifiers: MedGen C1851504, MONDO:0007568, OMIM 132900.
Familial thoracic aortic aneurysm and aortic dissection (TAAD). Also called: Thoracic aortic aneurysms and dissections. Identifiers: Orphanet 91387, MedGen C4707243, MONDO:0019625.

Allele frequency attached by ClinVar (database versions not stated): gnomAD 0.00004 and 0.00005; gnomAD exomes 0.00004 and 0.00008; ExAC 0.00007; TOPMed 0.00009; 1000 Genomes Project 0.00040; 1000 Genomes Project 30x 0.00047.
gnomAD v4.1: 73 of 1,613,976 alleles (0.0045%); highest among the groups gnomAD compares: Admixed American, 0.02%; no homozygotes.

Submissions (8):

Color Diagnostics, LLC DBA Color Health
Classification: Likely benign for Familial thoracic aortic aneurysm and aortic dissection. Last evaluated: 2025-03-10. Review status: criteria provided, single submitter. Criteria: ACMG Guidelines, 2015. Collection method: clinical testing. Allele origin: germline.

Blueprint Genetics
Classification: Uncertain significance. Last evaluated: 2024-11-26. Review status: criteria provided, single submitter. Criteria: ACMG Guidelines, 2015. Collection method: clinical testing. Allele origin: germline.

GeneDx
Classification: Uncertain significance. Last evaluated: 2023-11-06. Review status: criteria provided, single submitter. Criteria: GeneDx Variant Classification Process June 2021. Collection method: clinical testing. Allele origin: germline. Affected: yes.
Comment: In silico analysis supports that this missense variant does not alter protein structure/function; Has not been previously published as pathogenic or benign to our knowledge; This variant is associated with the following publications: (PMID: 21529752)

Labcorp Genetics (formerly Invitae), Labcorp
Classification: Uncertain significance for Aortic aneurysm, familial thoracic 4. Last evaluated: 2022-10-23. Review status: criteria provided, single submitter. Criteria: Invitae Variant Classification Sherloc (09022015). Collection method: clinical testing. Allele origin: germline.
Comment: This sequence change replaces alanine, which is neutral and non-polar, with threonine, which is neutral and polar, at codon 1930 of the MYH11 protein (p.Ala1930Thr). This variant is present in population databases (rs571504063, gnomAD 0.03%). This variant has not been reported in the literature in individuals affected with MYH11-related conditions. ClinVar contains an entry for this variant (Variation ID: 201092). Advanced modeling of protein sequence and biophysical properties (such as structural, functional, and spatial information, amino acid conservation, physicochemical variation, residue mobility, and thermodynamic stability) performed at Invitae indicates that this missense variant is not expected to disrupt MYH11 protein function. In summary, the available evidence is currently insufficient to determine the role of this variant in disease. Therefore, it has been classified as a Variant of Uncertain Significance.

CHEO Genetics Diagnostic Laboratory, Children's Hospital of Eastern Ontario
Classification: Uncertain significance for Familial thoracic aortic aneurysm and aortic dissection. Last evaluated: 2022-05-19. Review status: criteria provided, single submitter. Criteria: ACMG Guidelines, 2015. Collection method: clinical testing. Allele origin: germline.

Fulgent Genetics
Classification: Uncertain significance for Aortic aneurysm, familial thoracic 4; Visceral myopathy 2; Megacystis-microcolon-intestinal hypoperistalsis syndrome 2. Last evaluated: 2022-05-09. Review status: criteria provided, single submitter. Criteria: ACMG Guidelines, 2015. Collection method: clinical testing. Allele origin: unknown.

Ambry Genetics
Classification: Uncertain significance for Familial thoracic aortic aneurysm and aortic dissection. Last evaluated: 2021-12-08. Review status: criteria provided, single submitter. Criteria: Ambry Variant Classification Scheme 2023. Collection method: clinical testing. Allele origin: germline.
Comment: The p.A1923T variant (also known as c.5767G>A), located in coding exon 39 of the MYH11 gene, results from a G to A substitution at nucleotide position 5767. The alanine at codon 1923 is replaced by threonine, an amino acid with similar properties. This amino acid position is conserved. In addition, this alteration is predicted to be tolerated by in silico analysis. Since supporting evidence is limited at this time, the clinical significance of this alteration remains unclear.

ARUP Laboratories, Molecular Genetics and Genomics, ARUP Laboratories
Classification: Uncertain significance. Last evaluated: 2017-07-04. Review status: criteria provided, single submitter. Criteria: ARUP Molecular Germline Variant Investigation Process. Collection method: clinical testing. Allele origin: germline.